The following is an entry in ClinVar:

ClinVar aggregate classification (germline): Pathogenic. Review status: criteria provided, single submitter (1 of 4 stars). 2 submissions from 2 submitters: Pathogenic (1). 1 of the submissions does not count toward it. Last evaluated 2022-03-07.

Conditions:
Tuberous sclerosis syndrome (TSC). Also called: Tuberous Sclerosis Complex; Tuberous sclerosis. Identifiers: Orphanet 805, MedGen C0041341, MONDO:0001734.

Submissions (2):

GeneDx
Classification: Pathogenic. Last evaluated: 2022-03-07. Review status: criteria provided, single submitter. Criteria: GeneDx Variant Classification Process June 2021. Collection method: clinical testing. Allele origin: germline. Affected: yes.
Comment: Nonsense variant predicted to result in protein truncation or nonsense mediated decay in a gene for which loss-of-function is a known mechanism of disease; Not observed at significant frequency in large population cohorts (gnomAD); This variant is associated with the following publications: (PMID: 32211034)

Tuberous sclerosis database (TSC2)
No classification provided. Condition: TSC. Review status: no classification provided. Criteria: Tuberous Sclerosis Database Assertion Criteria 2015. Collection method: curation. Allele origin: germline. Affected: yes. Not counted in ClinVar's aggregate classification.

NM_000548.5(TSC2):c.4355C>A (p.Ser1452Ter)

Gene: TSC2 (TSC complex subunit 2; plus strand). Cytogenetic location: 16p13.3.
Variant type: single nucleotide variant.
Coding change: c.4355C>A on transcript NM_000548.5 (MANE Select); coding-DNA position 4355, C replaced by A.
Protein change: p.Ser1452Ter; replaces serine 1452 with a stop codon.
Molecular consequence: nonsense.
Genome position (GRCh38, 1-based): chr16:2,084,577, C>A. VCF-style: chr16-2084577-C-A. GRCh37 (hg19) VCF-style: chr16-2134578-C-A.
Other names: c.4154C>A, p.Ser1385Ter (NM_001077183.3); c.4286C>A, p.Ser1429Ter (NM_001114382.3); c.4046C>A, p.Ser1349Ter (NM_001318827.2); c.4010C>A, p.Ser1337Ter (NM_001318829.2); c.3623C>A, p.Ser1208Ter (NM_001318831.2); c.4187C>A, p.Ser1396Ter (NM_001318832.2); c.4157C>A, p.Ser1386Ter (NM_001363528.2); c.4223C>A, p.Ser1408Ter (NM_001370404.1); and 1 more; short protein forms S1452*, S1208*, S1337*, S1385*, S1396*, S1408*, S1349*, S1386*.
Identifiers: ClinVar variation 49294 (VCV000049294.4), dbSNP rs45517339, ClinGen allele CA020316.